The following is an entry in ClinVar:

NM_005228.5(EGFR):c.2873G>A (p.Arg958His)

Gene: EGFR (epidermal growth factor receptor; plus strand). Cytogenetic location: 7p11.2.
Variant type: single nucleotide variant.
Coding change: c.2873G>A on transcript NM_005228.5 (MANE Select); coding-DNA position 2873, G replaced by A.
Protein change: p.Arg958His; replaces arginine 958 with histidine.
Molecular consequence: missense variant.
Genome position (GRCh38, 1-based): chr7:55,200,340, G>A. VCF-style: chr7-55200340-G-A. GRCh37 (hg19) VCF-style: chr7-55268033-G-A.
Other names: c.2873G>A (NM_005228.3); c.2738G>A, p.Arg913His (NM_001346897.2, NM_001346899.2); c.2873G>A, p.Arg958His (NM_001346898.2); c.2714G>A, p.Arg905His (NM_001346900.2); c.2072G>A, p.Arg691His (NM_001346941.2); short protein forms R958H, R905H, R913H, R691H.
Identifiers: ClinVar variation 1512166 (VCV001512166.6), dbSNP rs1368179445, ClinGen allele CA367581772.

ClinVar aggregate classification (germline): Uncertain significance. Review status: criteria provided, multiple submitters, no conflicts (2 of 4 stars). 2 submissions from 2 submitters: Uncertain significance (2). Last evaluated 2025-11-18.

Conditions:
Hereditary cancer-predisposing syndrome. Also called: Hereditary neoplastic syndrome; Neoplastic Syndromes, Hereditary; Tumor predisposition; Hereditary Cancer Syndrome. Identifiers: Orphanet 140162, MedGen C0027672, MeSH D009386, MONDO:0015356.
EGFR-related lung cancer (EGFR). Identifiers: MedGen CN130014.

Allele frequency attached by ClinVar (database versions not stated): gnomAD 0.00001; gnomAD exomes 0.00001.
gnomAD v4.1: 8 of 1,613,830 alleles (0.0005%); highest among the groups gnomAD compares: South Asian, 0.0011%; no homozygotes.

Submissions (2):

Ambry Genetics
Classification: Uncertain significance for Hereditary cancer-predisposing syndrome. Last evaluated: 2025-11-18. Review status: criteria provided, single submitter. Criteria: Ambry Variant Classification Scheme 2023. Collection method: clinical testing. Allele origin: germline.
Comment: The p.R958H variant (also known as c.2873G>A), located in coding exon 24 of the EGFR gene, results from a G to A substitution at nucleotide position 2873. The arginine at codon 958 is replaced by histidine, an amino acid with highly similar properties. This amino acid position is highly conserved in available vertebrate species. In addition, this alteration is predicted to be deleterious by in silico analysis. Based on the available evidence, the clinical significance of this variant remains unclear.

Labcorp Genetics (formerly Invitae), Labcorp
Classification: Uncertain significance for EGFR-related lung cancer. Last evaluated: 2025-01-17. Review status: criteria provided, single submitter. Criteria: Invitae Variant Classification Sherloc (09022015). Collection method: clinical testing. Allele origin: germline.
Comment: This sequence change replaces arginine, which is basic and polar, with histidine, which is basic and polar, at codon 958 of the EGFR protein (p.Arg958His). This variant is present in population databases (no rsID available, gnomAD 0.01%). This variant has not been reported in the literature in individuals affected with EGFR-related conditions. ClinVar contains an entry for this variant (Variation ID: 1512166). Invitae Evidence Modeling of protein sequence and biophysical properties (such as structural, functional, and spatial information, amino acid conservation, physicochemical variation, residue mobility, and thermodynamic stability) indicates that this missense variant is expected to disrupt EGFR protein function with a positive predictive value of 80%. In summary, the available evidence is currently insufficient to determine the role of this variant in disease. Therefore, it has been classified as a Variant of Uncertain Significance.